The following is an entry in ClinVar:

NM_001370595.2(COA8):c.404A>G (p.Asn135Ser)

Gene: COA8 (cytochrome c oxidase assembly factor 8; plus strand). Cytogenetic location: 14q32.33.
Variant type: single nucleotide variant.
Coding change: c.404A>G on transcript NM_001370595.2 (MANE Select); coding-DNA position 404, A replaced by G.
Protein change: p.Asn135Ser; replaces asparagine 135 with serine.
Molecular consequence: missense variant. On other transcripts: synonymous variant (1), non-coding transcript variant (2).
Genome position (GRCh38, 1-based): chr14:103,587,292, A>G. VCF-style: chr14-103587292-A-G. GRCh37 (hg19) VCF-style: chr14-104053629-A-G.
Other names: c.443A>G (NM_032374.3); c.492A>G, p.Glu164= (NM_001302653.2); short protein forms N135S.
Identifiers: ClinVar variation 1909610 (VCV001909610.5), dbSNP rs145119626, ClinGen allele CA7365601.

ClinVar aggregate classification (germline): Uncertain significance. Review status: criteria provided, multiple submitters, no conflicts (2 of 4 stars). 2 submissions from 2 submitters: Uncertain significance (2). Last evaluated 2024-03-28.

Conditions:
Inborn genetic diseases. Identifiers: MedGen C0950123, MeSH D030342.

Allele frequency attached by ClinVar (database versions not stated): gnomAD exomes 0.00001; ExAC 0.00003; gnomAD 0.00011; TOPMed 0.00013; ESP Exome Variant Server 0.00015.
gnomAD v4.1: 36 of 1,613,374 alleles (0.0022%); highest among the groups gnomAD compares: African/African-American, 0.048%; no homozygotes.

Submissions (2):

Ambry Genetics
Classification: Uncertain significance for Inborn genetic diseases. Last evaluated: 2024-03-28. Review status: criteria provided, single submitter. Criteria: Ambry Variant Classification Scheme 2023. Collection method: clinical testing. Allele origin: germline.

Labcorp Genetics (formerly Invitae), Labcorp
Classification: Uncertain significance. Last evaluated: 2024-02-24. Review status: criteria provided, single submitter. Criteria: Invitae Variant Classification Sherloc (09022015). Collection method: clinical testing. Allele origin: germline.
Comment: This sequence change replaces asparagine, which is neutral and polar, with serine, which is neutral and polar, at codon 148 of the APOPT1 protein (p.Asn148Ser). This variant is present in population databases (rs145119626, gnomAD 0.03%). This variant has not been reported in the literature in individuals affected with APOPT1-related conditions. ClinVar contains an entry for this variant (Variation ID: 1909610). An algorithm developed to predict the effect of missense changes on protein structure and function (PolyPhen-2) suggests that this variant is likely to be tolerated. In summary, the available evidence is currently insufficient to determine the role of this variant in disease. Therefore, it has been classified as a Variant of Uncertain Significance.